The following is an entry in ClinVar:

NM_001006658.3(CR2):c.909C>A (p.Tyr303Ter)

Genes: CR2 (complement C3d receptor 2; plus strand), LOC126805994 (BRD4-independent group 4 enhancer GRCh37_chr1:207642622-207643821; plus strand). Cytogenetic location: 1q32.2.
Variant type: single nucleotide variant.
Coding change: c.909C>A on transcript NM_001006658.3 (MANE Select); coding-DNA position 909, C replaced by A.
Protein change: p.Tyr303Ter; replaces tyrosine 303 with a stop codon.
Molecular consequence: nonsense.
Genome position (GRCh38, 1-based): chr1:207,469,786, C>A. VCF-style: chr1-207469786-C-A. GRCh37 (hg19) VCF-style: chr1-207643131-C-A.
Other names: c.909C>A, p.Tyr303Ter (NM_001877.5); short protein forms Y303*.
Identifiers: ClinVar variation 3653659 (VCV003653659.2).

ClinVar aggregate classification (germline): Pathogenic (1 of 4 stars; one submission).

Conditions:
Immunodeficiency, common variable, 7. Identifiers: Orphanet 1572, Orphanet 696894, MedGen C3542922, MONDO:0013862, OMIM 614699.

gnomAD v4.1: 6 of 1,613,956 alleles (0.00037%); highest among the groups gnomAD compares: Non-Finnish European, 0.00051%; no homozygotes.

Submission:

Labcorp Genetics (formerly Invitae), Labcorp
Classification: Pathogenic for Immunodeficiency, common variable, 7. Last evaluated: 2024-08-04. Review status: criteria provided, single submitter. Criteria: Invitae Variant Classification Sherloc (09022015). Collection method: clinical testing. Allele origin: germline.
Comment: This sequence change creates a premature translational stop signal (p.Tyr303*) in the CR2 gene. It is expected to result in an absent or disrupted protein product. Loss-of-function variants in CR2 are known to be pathogenic (PMID: 26325596, 28499783). This variant is present in population databases (rs148336036, gnomAD 0.002%). This variant has not been reported in the literature in individuals affected with CR2-related conditions. Algorithms developed to predict the effect of sequence changes on RNA splicing suggest that this variant may disrupt the consensus splice site. For these reasons, this variant has been classified as Pathogenic.

Literature cited by the submitters: PubMed 26325596; PubMed 28499783.